The following is an entry in ClinVar:

ClinVar aggregate classification (germline): Likely benign (1 of 4 stars; one submission).

Conditions:
XDH-related disorder. Also called: XDH-related condition.

gnomAD v4.1: 3 of 1,614,198 alleles (0.00019%); highest among the groups gnomAD compares: Non-Finnish European, 0.00025%; no homozygotes.

Submission:

PreventionGenetics, part of Exact Sciences
Classification: Likely benign for XDH-related condition. Last evaluated: 2025-01-02. Review status: criteria provided, single submitter. Criteria: ACMG Guidelines, 2015. Collection method: clinical testing. Allele origin: germline.
Comment: This variant is classified as likely benign based on ACMG/AMP sequence variant interpretation guidelines (Richards et al. 2015 PMID: 25741868, with internal and published modifications).

NM_000379.4(XDH):c.3672C>A (p.Gly1224=)

Gene: XDH (xanthine dehydrogenase; minus strand). Cytogenetic location: 2p23.1.
Variant type: single nucleotide variant.
Coding change: c.3672C>A on transcript NM_000379.4 (MANE Select); coding-DNA position 3672, C replaced by A.
Protein change: p.Gly1224=; no amino-acid change (glycine 1224 retained).
Molecular consequence: synonymous variant.
Genome position (GRCh38, 1-based): chr2:31,339,591, G>T on the plus strand (C>A on the coding strand, the complement: XDH is on the minus strand). VCF-style: chr2-31339591-G-T. GRCh37 (hg19) VCF-style: chr2-31562457-G-T.
Identifiers: ClinVar variation 5001354 (VCV005001354.1).
Genomic context (GRCh38, chr2:31,339,591, plus strand): 5'-CAGGGACACCCTGAACTCAATGGGGATGCTGCCAAATGCCGGGATCTTGTAGGTGCTAGG[G>T]CCACGGGTGTGCAGGCTCCCCTCGGGGGAATAGTGTAGCTCCTCTAGGGTGAAGAGGCCA-3'
Protein context (NP_000370.2, residues 1214-1234): YSPEGSLHTR[Gly1224=]PSTYKIPAFG